The following is an entry in ClinVar:

NM_022829.6(SLC13A3):c.994T>A (p.Tyr332Asn)

Gene: SLC13A3 (solute carrier family 13 member 3; minus strand). Cytogenetic location: 20q13.12.
Variant type: single nucleotide variant.
Coding change: c.994T>A on transcript NM_022829.6 (MANE Select); coding-DNA position 994, T replaced by A.
Protein change: p.Tyr332Asn; replaces tyrosine 332 with asparagine.
Molecular consequence: missense variant.
Genome position (GRCh38, 1-based): chr20:46,589,182, A>T on the plus strand (T>A on the coding strand, the complement: SLC13A3 is on the minus strand). VCF-style: chr20-46589182-A-T. GRCh37 (hg19) VCF-style: chr20-45217821-A-T.
Other names: c.853T>A, p.Tyr285Asn (NM_001011554.3, NM_001193340.2); c.844T>A, p.Tyr282Asn (NM_001193339.2); c.700T>A, p.Tyr234Asn (NM_001193342.2); c.994T>A (NM_022829.5); short protein forms Y282N, Y332N, Y234N, Y285N.
Identifiers: ClinVar variation 2958405 (VCV002958405.4), dbSNP rs767576995, ClinGen allele CA9891455.

ClinVar aggregate classification (germline): Uncertain significance. Review status: criteria provided, multiple submitters, no conflicts (2 of 4 stars). 2 submissions from 2 submitters: Uncertain significance (2). Last evaluated 2023-11-27.

Allele frequency attached by ClinVar (database versions not stated): TOPMed below 0.00001; gnomAD exomes 0.00001; ExAC 0.00004.
gnomAD v4.1: 20 of 1,614,128 alleles (0.0012%); highest among the groups gnomAD compares: South Asian, 0.019%; 1 homozygote.

Submissions (2):

Ambry Genetics
Classification: Uncertain significance. Last evaluated: 2023-11-27. Review status: criteria provided, single submitter. Criteria: Ambry Variant Classification Scheme 2023. Collection method: clinical testing. Allele origin: germline.

Labcorp Genetics (formerly Invitae), Labcorp
Classification: Uncertain significance. Last evaluated: 2023-03-01. Review status: criteria provided, single submitter. Criteria: Invitae Variant Classification Sherloc (09022015). Collection method: clinical testing. Allele origin: germline.
Comment: In summary, the available evidence is currently insufficient to determine the role of this variant in disease. Therefore, it has been classified as a Variant of Uncertain Significance. Advanced modeling of protein sequence and biophysical properties (such as structural, functional, and spatial information, amino acid conservation, physicochemical variation, residue mobility, and thermodynamic stability) performed at Invitae indicates that this missense variant is not expected to disrupt SLC13A3 protein function. This variant has not been reported in the literature in individuals affected with SLC13A3-related conditions. This variant is present in population databases (rs767576995, gnomAD 0.03%). This sequence change replaces tyrosine, which is neutral and polar, with asparagine, which is neutral and polar, at codon 332 of the SLC13A3 protein (p.Tyr332Asn).